The following is an entry in ClinVar:

NM_153717.3(EVC):c.857C>A (p.Ser286Ter)

Gene: EVC (EvC ciliary complex subunit 1; plus strand). Cytogenetic location: 4p16.2.
Variant type: single nucleotide variant.
Coding change: c.857C>A on transcript NM_153717.3 (MANE Select); coding-DNA position 857, C replaced by A.
Protein change: p.Ser286Ter; replaces serine 286 with a stop codon.
Molecular consequence: nonsense.
Genome position (GRCh38, 1-based): chr4:5,745,259, C>A. VCF-style: chr4-5745259-C-A. GRCh37 (hg19) VCF-style: chr4-5746986-C-A.
Other names: c.857C>A, p.Ser286Ter (NM_001306090.2, NM_001306092.2); short protein forms S286*.
Identifiers: ClinVar variation 1725547 (VCV001725547.2), dbSNP rs139263450, ClinGen allele CA356149360.
Genomic context (GRCh38, chr4:5,745,259, plus strand): 5'-TTCAGGATTTGGAGGAACTAGAAAAGGGACTTCAGGTCAAACTGTCAAACACAGAAATGT[C>A]GGGGGCTGGTGACTCTGAGTACATCACCCTGGCTGATGTGGAAAAGAAGGAGAGAGAATA-3'

ClinVar aggregate classification (germline): Likely pathogenic (1 of 4 stars; one submission).

Conditions:
Ellis-van Creveld syndrome (EVC). Also called: EVC-Related Ellis-van Creveld Syndrome; EVC2-Related Ellis-van Creveld Syndrome; MESOECTODERMAL DYSPLASIA; Chondroectodermal dysplasia. Identifiers: Orphanet 289, MedGen C0013903, MONDO:0009162, OMIM 225500.

Submission:

Myriad Genetics, Inc.
Classification: Likely pathogenic for Ellis-van Creveld syndrome. Last evaluated: 2022-03-30. Review status: criteria provided, single submitter. Criteria: Myriad Women's Health Autosomal Recessive and X-Linked Classification Criteria (2021). Collection method: clinical testing. Allele origin: unknown.
Comment: NM_153717.2(EVC):c.857C>A(S286*) is expected to be pathogenic in the context of EVC-related Ellis-van Creveld syndrome. This variant is predicted to lead to an abnormal or absent protein product due to the creation of a premature termination codon in EVC, a gene where loss-of-function variants are known to be pathogenic. Please note: this variant was assessed in the context of healthy population screening.